The following is an entry in ClinVar:

ClinVar aggregate classification (germline): Pathogenic/Likely pathogenic. Review status: criteria provided, multiple submitters, no conflicts (2 of 4 stars). 4 submissions from 4 submitters: Pathogenic (1); Likely pathogenic (3). Last evaluated 2025-03-03.

Conditions:
Hereditary cancer-predisposing syndrome. Also called: Neoplastic Syndromes, Hereditary; Hereditary Cancer Syndrome; Tumor predisposition; Hereditary neoplastic syndrome. Identifiers: Orphanet 140162, MedGen C0027672, MeSH D009386, MONDO:0015356.
Aplastic anemia. Identifiers: Orphanet 182040, Orphanet 88, MedGen C0002874, MONDO:0015909, OMIM 609135, HP:0001915.
Microcephaly, normal intelligence and immunodeficiency (NBS). Also called: BERLIN BREAKAGE SYNDROME; Nijmegen breakage syndrome; Microcephaly with normal intelligence immunodeficiency and lymphoreticular malignancies; Nonsyndromal microcephaly autosomal recessive with normal intelligence; Seemanova syndrome 2; Ataxia telangiectasia variant V1. Identifiers: Orphanet 647, MedGen C0398791, MONDO:0009623, OMIM 251260.

Submissions (4):

Women's Health and Genetics/Laboratory Corporation of America, LabCorp
Classification: Likely pathogenic for Microcephaly, normal intelligence and immunodeficiency. Last evaluated: 2025-03-03. Review status: criteria provided, single submitter. Criteria: LabCorp Variant Classification Summary - May 2015. Collection method: clinical testing. Allele origin: germline.
Comment: Variant summary: NBN c.995-23_998delins27 results in the deletion of part of exon 9 and disrupts the canonical splice acceptor site of intron 8 of the NBN gene, which may produce a significantly altered protein due to either exon skipping, shortening, or inclusion of intronic material. Several computational tools predict a significant impact on normal splicing: Three predict the variant abolishes the 3' canonical acceptor site. One predict the variant no significant impact on splicing. However, these predictions have yet to be confirmed by functional studies. The variant was absent in 251334 control chromosomes. To our knowledge, no occurrence of c.995-23_998delins27 in individuals affected with Nijmegen Breakage Syndrome and no experimental evidence demonstrating its impact on protein function have been reported. ClinVar contains an entry for this variant (Variation ID: 1517029). Based on the evidence outlined above, the variant was classified as likely pathogenic.

Labcorp Genetics (formerly Invitae), Labcorp
Classification: Pathogenic for Microcephaly, normal intelligence and immunodeficiency. Last evaluated: 2023-08-04. Review status: criteria provided, single submitter. Criteria: Invitae Variant Classification Sherloc (09022015). Collection method: clinical testing. Allele origin: germline.
Comment: This variant results in the deletion of part of exon 9 (c.995-23_998delins27) of the NBN gene. RNA analysis indicates that this variant induces altered splicing and may result in an absent or disrupted protein product. For these reasons, this variant has been classified as Pathogenic. Studies have shown that this variant results in skipping of exon 9 and introduces a premature termination codon (Invitae). The resulting mRNA is expected to undergo nonsense-mediated decay. This variant has not been reported in the literature in individuals affected with NBN-related conditions. This variant is not present in population databases (gnomAD no frequency).

Baylor Genetics
Classification: Likely pathogenic for Aplastic anemia. Last evaluated: 2023-04-17. Review status: criteria provided, single submitter. Criteria: ACMG Guidelines, 2015. Collection method: clinical testing. Allele origin: unknown.

Ambry Genetics
Classification: Likely pathogenic for Hereditary cancer-predisposing syndrome. Last evaluated: 2020-01-31. Review status: criteria provided, single submitter. Criteria: Ambry Variant Classification Scheme 2023. Collection method: clinical testing. Allele origin: germline.
Comment: The c.995-23_998inv variant results from an inversion of 27 nucleotides spanning across the splice acceptor site before coding exon 9 in the NBN gene. These nucleotide positions are well conserved in available vertebrate species. Using the BDGP and ESEfinder splice site prediction tools, this alteration is predicted to abolish the native splice acceptor site; however, direct evidence is unavailable. Alterations that disrupt the canonical splice site are expected to cause aberrant splicing, resulting in an abnormal protein or a transcript that is subject to nonsense-mediated mRNA decay. As such, this alteration is classified as likely pathogenic.

NM_002485.5(NBN):c.995-23_998inv

Gene: NBN (nibrin; minus strand). Cytogenetic location: 8q21.3.
Variant type: Inversion.
Coding change: c.995-23_998inv on transcript NM_002485.5 (MANE Select).
Molecular consequence: splice acceptor variant.
Genome position: GRCh38: chr8:89,958,851-89,958,877. GRCh37 (hg19): chr8:90,971,079-90,971,105.
Other names: c.749-23_752inv (NM_001024688.3); c.995-23_998delinsAATCCTGTAAATCACACAAGTAGAAAG (NM_002485.5).
Identifiers: ClinVar variation 1517029 (VCV001517029.9), ClinGen allele CA2573143359.